The following is an entry in ClinVar:

ClinVar aggregate classification (germline): Uncertain significance. Review status: criteria provided, multiple submitters, no conflicts (2 of 4 stars). 2 submissions from 2 submitters: Uncertain significance (2). Last evaluated 2025-07-27.

gnomAD v4.1: 35 of 1,614,122 alleles (0.0022%); highest among the groups gnomAD compares: Non-Finnish European, 0.003%; no homozygotes.

Submissions (2):

Labcorp Genetics (formerly Invitae), Labcorp
Classification: Uncertain significance. Last evaluated: 2025-07-27. Review status: criteria provided, single submitter. Criteria: Invitae Variant Classification Sherloc (09022015). Collection method: clinical testing. Allele origin: germline.
Comment: This sequence change replaces arginine, which is basic and polar, with lysine, which is basic and polar, at codon 1153 of the A2ML1 protein (p.Arg1153Lys). This variant is not present in population databases (gnomAD no frequency). This variant has not been reported in the literature in individuals affected with A2ML1-related conditions. ClinVar contains an entry for this variant (Variation ID: 3866828). An algorithm developed to predict the effect of missense changes on protein structure and function outputs the following: PolyPhen-2: "Probably Damaging". The lysine amino acid residue is found in multiple mammalian species, which suggests that this missense change does not adversely affect protein function. In summary, the available evidence is currently insufficient to determine the role of this variant in disease. Therefore, it has been classified as a Variant of Uncertain Significance.

Ambry Genetics
Classification: Uncertain significance. Last evaluated: 2025-01-20. Review status: criteria provided, single submitter. Criteria: Ambry Variant Classification Scheme 2023. Collection method: clinical testing. Allele origin: germline.

NM_144670.6(A2ML1):c.3458G>A (p.Arg1153Lys)

Gene: A2ML1 (alpha-2-macroglobulin like 1; plus strand). Cytogenetic location: 12p13.31.
Variant type: single nucleotide variant.
Coding change: c.3458G>A on transcript NM_144670.6 (MANE Select); coding-DNA position 3458, G replaced by A.
Protein change: p.Arg1153Lys; replaces arginine 1153 with lysine.
Molecular consequence: missense variant.
Genome position (GRCh38, 1-based): chr12:8,861,253, G>A. VCF-style: chr12-8861253-G-A. GRCh37 (hg19) VCF-style: chr12-9013849-G-A.
Other names: c.1985G>A, p.Arg662Lys (NM_001282424.3); short protein forms R1153K, R662K.
Identifiers: ClinVar variation 3866828 (VCV003866828.2).